The following is an entry in ClinVar:

NM_006231.4(POLE):c.6658-19C>G

Gene: POLE (DNA polymerase epsilon, catalytic subunit; minus strand). Cytogenetic location: 12q24.33.
Variant type: single nucleotide variant.
Coding change: c.6658-19C>G on transcript NM_006231.4 (MANE Select); 19 bases into the intron before coding-DNA position 6658, C replaced by G.
Molecular consequence: intron variant.
Genome position (GRCh38, 1-based): chr12:132,625,013, G>C on the plus strand (C>G on the coding strand, the complement: POLE is on the minus strand). VCF-style: chr12-132625013-G-C. GRCh37 (hg19) VCF-style: chr12-133201599-G-C.
Identifiers: ClinVar variation 246255 (VCV000246255.15), dbSNP rs5745081, ClinGen allele CA6892025.

ClinVar aggregate classification (germline): Benign/Likely benign. Review status: criteria provided, multiple submitters, no conflicts (2 of 4 stars). 7 submissions from 7 submitters: Benign (1); Likely benign (5). 1 of the submissions does not count toward it. Last evaluated 2026-01-27.

Conditions:
Colorectal cancer, susceptibility to, 12 (CRCS12). Also called: COLORECTAL CANCER, SUSCEPTIBILITY TO, ON CHROMOSOME 12q24. Identifiers: Orphanet 220460, MedGen C3554460, MONDO:0014038, OMIM 615083.

Allele frequency attached by ClinVar (database versions not stated): 1000 Genomes Project 0.00020; TOPMed 0.00024; 1000 Genomes Project 30x 0.00031.
gnomAD v4.1: 119 of 1,602,392 alleles (0.0074%); highest among the groups gnomAD compares: East Asian, 0.14%; no homozygotes.

Submissions (7):

Labcorp Genetics (formerly Invitae), Labcorp
Classification: Benign. Last evaluated: 2026-01-27. Review status: criteria provided, single submitter. Criteria: Invitae Variant Classification Sherloc (09022015). Collection method: clinical testing. Allele origin: germline.

Center for Genomic Medicine, Rigshospitalet, Copenhagen University Hospital
Classification: Likely benign. Last evaluated: 2025-03-04. Review status: criteria provided, single submitter. Criteria: ACMG Guidelines, 2015. Collection method: clinical testing. Allele origin: germline.

Blueprint Genetics
Classification: Likely benign. Last evaluated: 2024-11-08. Review status: criteria provided, single submitter. Criteria: ACMG Guidelines, 2015. Collection method: clinical testing. Allele origin: germline.

KCCC/NGS Laboratory, Kuwait Cancer Control Center
Classification: Likely benign for Colorectal cancer, susceptibility to, 12. Last evaluated: 2023-07-07. Review status: criteria provided, single submitter. Criteria: ACMG Guidelines, 2015. Collection method: clinical testing. Allele origin: germline. Affected: yes.

GeneDx
Classification: Likely benign. Last evaluated: 2017-12-06. Review status: criteria provided, single submitter. Criteria: GeneDx Variant Classification (06012015). Collection method: clinical testing. Allele origin: germline. Affected: yes.
Comment: This variant is considered likely benign or benign based on one or more of the following criteria: it is a conservative change, it occurs at a poorly conserved position in the protein, it is predicted to be benign by multiple in silico algorithms, and/or has population frequency not consistent with disease.

PreventionGenetics, part of Exact Sciences
Classification: Likely benign. Last evaluated: 2017-06-20. Review status: criteria provided, single submitter. Criteria: ACMG Guidelines, 2015. Collection method: clinical testing. Allele origin: germline.

Counsyl
Classification: Likely benign for Colorectal cancer, susceptibility to, 12. Last evaluated: 2016-10-27. Review status: no assertion criteria provided. Collection method: clinical testing. Allele origin: unknown. Not counted in ClinVar's aggregate classification.